The following is an entry in ClinVar:

NM_001848.3(COL6A1):c.1951G>T (p.Val651Phe)

Gene: COL6A1 (collagen type VI alpha 1 chain; plus strand). Cytogenetic location: 21q22.3.
Variant type: single nucleotide variant.
Coding change: c.1951G>T on transcript NM_001848.3 (MANE Select); coding-DNA position 1951, G replaced by T.
Protein change: p.Val651Phe; replaces valine 651 with phenylalanine.
Molecular consequence: missense variant.
Genome position (GRCh38, 1-based): chr21:46,001,381, G>T. VCF-style: chr21-46001381-G-T. GRCh37 (hg19) VCF-style: chr21-47421295-G-T.
Other names: short protein forms V651F.
Identifiers: ClinVar variation 2862299 (VCV002862299.3), dbSNP rs767358249, ClinGen allele CA410533814.

ClinVar aggregate classification (germline): Uncertain significance (1 of 4 stars; one submission).

Conditions:
Bethlem myopathy 1A. Also called: Bethlem myopathy 1; MYOPATHY, BENIGN CONGENITAL, WITH CONTRACTURES; Bethlem Muscular Dystrophy. Identifiers: Orphanet 610, MedGen CN029274, MONDO:0024530, OMIM 158810.

Submission:

Labcorp Genetics (formerly Invitae), Labcorp
Classification: Uncertain significance for Bethlem myopathy 1A. Last evaluated: 2023-06-29. Review status: criteria provided, single submitter. Criteria: Invitae Variant Classification Sherloc (09022015). Collection method: clinical testing. Allele origin: germline.
Comment: In summary, the available evidence is currently insufficient to determine the role of this variant in disease. Therefore, it has been classified as a Variant of Uncertain Significance. Advanced modeling of protein sequence and biophysical properties (such as structural, functional, and spatial information, amino acid conservation, physicochemical variation, residue mobility, and thermodynamic stability) performed at Invitae indicates that this missense variant is not expected to disrupt COL6A1 protein function. This variant has not been reported in the literature in individuals affected with COL6A1-related conditions. This variant is not present in population databases (gnomAD no frequency). This sequence change replaces valine, which is neutral and non-polar, with phenylalanine, which is neutral and non-polar, at codon 651 of the COL6A1 protein (p.Val651Phe).